The following is an entry in ClinVar:

NM_198578.4(LRRK2):c.6061G>T (p.Ala2021Ser)

Gene: LRRK2 (leucine rich repeat kinase 2; plus strand). Cytogenetic location: 12q12.
Variant type: single nucleotide variant.
Coding change: c.6061G>T on transcript NM_198578.4 (MANE Select); coding-DNA position 6061, G replaced by T.
Protein change: p.Ala2021Ser; replaces alanine 2021 with serine.
Molecular consequence: missense variant.
Genome position (GRCh38, 1-based): chr12:40,340,406, G>T. VCF-style: chr12-40340406-G-T. GRCh37 (hg19) VCF-style: chr12-40734208-G-T.
Other names: short protein forms A2021S.
Identifiers: ClinVar variation 1751341 (VCV001751341.2), dbSNP rs2499948270, ClinGen allele CA384403999.
Genomic context (GRCh38, chr12:40,340,406, plus strand): 5'-CTGCTTTTCACACTGTATCCCAATGCTGCCATCATTGCAAAGATTGCTGACTACGGCATT[G>T]CTCAGTACTGCTGTAGAATGGGGATAAAAACATCAGAGGGCACACCAGGTAGGTGATCAG-3'
Protein context (NP_940980.4, residues 2011-2031): IIAKIADYGI[Ala2021Ser]QYCCRMGIKT

ClinVar aggregate classification (germline): Uncertain significance (1 of 4 stars; one submission).

Conditions:
Inborn genetic diseases. Identifiers: MedGen C0950123, MeSH D030342.

Submission:

Ambry Genetics
Classification: Uncertain significance for Inborn genetic diseases. Last evaluated: 2022-05-07. Review status: criteria provided, single submitter. Criteria: Ambry Variant Classification Scheme 2023. Collection method: clinical testing. Allele origin: germline.
Comment: The p.A2021S variant (also known as c.6061G>T), located in coding exon 41 of the LRRK2 gene, results from a G to T substitution at nucleotide position 6061. The alanine at codon 2021 is replaced by serine, an amino acid with similar properties. This amino acid position is conserved. In addition, this alteration is predicted to be tolerated by in silico analysis. Since supporting evidence is limited at this time, the clinical significance of this alteration remains unclear.